The following is an entry in ClinVar:

ClinVar aggregate classification (germline): Likely benign (1 of 4 stars; one submission).

Submission:

CeGaT Center for Human Genetics Tuebingen
Classification: Likely benign. Last evaluated: 2026-05-01. Review status: criteria provided, single submitter. Criteria: CeGaT Center For Human Genetics Tuebingen Variant Classification Criteria Version 2. Collection method: clinical testing. Allele origin: germline. Affected: yes. Observed: 4 variant alleles.
Comment: TTN: PM2:Supporting, BP4, BP7

NM_001267550.2(TTN):c.98454A>G (p.Arg32818=)

Genes: TTN (titin; minus strand), TTN-AS1 (TTN antisense RNA 1; plus strand). Cytogenetic location: 2q31.2.
Variant type: single nucleotide variant.
Coding change: c.98454A>G on transcript NM_001267550.2 (MANE Select); coding-DNA position 98454, A replaced by G.
Protein change: p.Arg32818=; no amino-acid change (arginine 32818 retained).
Molecular consequence: synonymous variant. On other transcripts: non-coding transcript variant (1).
Genome position (GRCh38, 1-based): chr2:178,539,611, T>C on the plus strand (A>G on the coding strand, the complement: TTN is on the minus strand). VCF-style: chr2-178539611-T-C. GRCh37 (hg19) VCF-style: chr2-179404338-T-C.
Other names: c.93531A>G, p.Arg31177= (NM_001256850.1); c.71259A>G, p.Arg23753= (NM_003319.4); c.90750A>G, p.Arg30250= (NM_133378.4); c.71634A>G, p.Arg23878= (NM_133432.3); c.71835A>G, p.Arg23945= (NM_133437.4).
Identifiers: ClinVar variation 2578877 (VCV002578877.25), dbSNP rs2468770839, ClinGen allele CA430240549.